The following is an entry in ClinVar:

NM_000404.4(GLB1):c.1897C>G (p.Leu633Val)

Gene: GLB1 (galactosidase beta 1; minus strand). Cytogenetic location: 3p22.3.
Variant type: single nucleotide variant.
Coding change: c.1897C>G on transcript NM_000404.4 (MANE Select); coding-DNA position 1897, C replaced by G.
Protein change: p.Leu633Val; replaces leucine 633 with valine.
Molecular consequence: missense variant. On other transcripts: intron variant (1).
Genome position (GRCh38, 1-based): chr3:32,997,182, G>C on the plus strand (C>G on the coding strand, the complement: GLB1 is on the minus strand). VCF-style: chr3-32997182-G-C. GRCh37 (hg19) VCF-style: chr3-33038674-G-C.
Other names: c.1807C>G, p.Leu603Val (NM_001079811.3); c.1504C>G, p.Leu502Val (NM_001135602.3); c.2041C>G, p.Leu681Val (NM_001317040.2); c.1734+16874C>G (NM_001393580.1); short protein forms L633V, L681V, L502V, L603V.
Identifiers: ClinVar variation 2063069 (VCV002063069.1), dbSNP rs1696340552, ClinGen allele CA352000355.

ClinVar aggregate classification (germline): Uncertain significance (1 of 4 stars; one submission).

Conditions:
GM1 gangliosidosis. Identifiers: Orphanet 354, MedGen C0085131, MONDO:0018149.
Mucopolysaccharidosis, MPS-IV-B (MPS4B). Also called: MORQUIO SYNDROME B; Mucopolysaccharidosis Type IVB (Morquio B Disease); Mucopolysaccharidosis type IV B; Mucopolysaccharidosis Type IVB; Mucopolysaccharidosis type 4B; Mucopolysaccharidosis type IVB (Morquio). Identifiers: Orphanet 309310, Orphanet 582, MedGen C0086652, MONDO:0009660, OMIM 253010.

Allele frequency attached by ClinVar (database versions not stated): gnomAD 0.00001; gnomAD exomes 0.00001.
gnomAD v4.1: 9 of 1,614,064 alleles (0.00056%); highest among the groups gnomAD compares: South Asian, 0.0099%; 1 homozygote.

Submission:

Labcorp Genetics (formerly Invitae), Labcorp
Classification: Uncertain significance for Mucopolysaccharidosis, MPS-IV-B; GM1 gangliosidosis. Last evaluated: 2021-12-20. Review status: criteria provided, single submitter. Criteria: Invitae Variant Classification Sherloc (09022015). Collection method: clinical testing. Allele origin: germline.
Comment: This sequence change replaces leucine, which is neutral and non-polar, with valine, which is neutral and non-polar, at codon 633 of the GLB1 protein (p.Leu633Val). This variant is not present in population databases (gnomAD no frequency). This variant has not been reported in the literature in individuals affected with GLB1-related conditions. Advanced modeling of protein sequence and biophysical properties (such as structural, functional, and spatial information, amino acid conservation, physicochemical variation, residue mobility, and thermodynamic stability) performed at Invitae indicates that this missense variant is not expected to disrupt GLB1 protein function. Algorithms developed to predict the effect of sequence changes on RNA splicing suggest that this variant may create or strengthen a splice site. In summary, the available evidence is currently insufficient to determine the role of this variant in disease. Therefore, it has been classified as a Variant of Uncertain Significance.